The following is an entry in ClinVar:

NM_182925.5(FLT4):c.76T>G (p.Ser26Ala)

Gene: FLT4 (fms related receptor tyrosine kinase 4; minus strand). Cytogenetic location: 5q35.3.
Variant type: single nucleotide variant.
Coding change: c.76T>G on transcript NM_182925.5 (MANE Select); coding-DNA position 76, T replaced by G.
Protein change: p.Ser26Ala; replaces serine 26 with alanine.
Molecular consequence: missense variant.
Genome position (GRCh38, 1-based): chr5:180,631,761, A>C on the plus strand (T>G on the coding strand, the complement: FLT4 is on the minus strand). VCF-style: chr5-180631761-A-C. GRCh37 (hg19) VCF-style: chr5-180058761-A-C.
Other names: c.76T>G, p.Ser26Ala (NM_001354989.2, NM_002020.5); short protein forms S26A.
Identifiers: ClinVar variation 702770 (VCV000702770.32), dbSNP rs113995355, ClinGen allele CA3607242.
Genomic context (GRCh38, chr5:180,631,761, plus strand): 5'-TGTCACCGGTGTCGATGACGTGTGACTCCTCCGTGATGTTCAAGGTCGGGGGGGTCATGG[A>C]GTAGCCACTCACCAGGCCTGGGGTGGGAGACAGGGTCAGCGTGGTGCTGGGCTGTGACTT-3'
Protein context (NP_891555.2, residues 16-36): GLLDGLVSGY[Ser26Ala]MTPPTLNITE

ClinVar aggregate classification (germline): Benign. Review status: criteria provided, multiple submitters, no conflicts (2 of 4 stars). 4 submissions from 4 submitters: Benign (2). 2 of the submissions do not count toward it. Last evaluated 2026-07-01.

Allele frequency attached by ClinVar (database versions not stated): gnomAD exomes 0.00062; 1000 Genomes Project 0.00619; gnomAD 0.00658 and 0.00708; TOPMed 0.00725; 1000 Genomes Project 30x 0.00765; ESP Exome Variant Server 0.00954.
gnomAD v4.1: 1,935 of 1,609,666 alleles (0.12%); highest among the groups gnomAD compares: African/African-American, 2.4%; 29 homozygotes.

Submissions (4):

CeGaT Center for Human Genetics Tuebingen
Classification: Benign. Last evaluated: 2026-07-01. Review status: criteria provided, single submitter. Criteria: CeGaT Center For Human Genetics Tuebingen Variant Classification Criteria Version 2. Collection method: clinical testing. Allele origin: germline. Affected: yes. Observed: 2 variant alleles.
Comment: FLT4: BS1, BS2

Labcorp Genetics (formerly Invitae), Labcorp
Classification: Benign. Last evaluated: 2019-12-31. Review status: criteria provided, single submitter. Criteria: Invitae Variant Classification Sherloc (09022015). Collection method: clinical testing. Allele origin: germline.

Clinical Genetics DNA and cytogenetics Diagnostics Lab, Erasmus MC, Erasmus Medical Center
Classification: Benign. Review status: no assertion criteria provided. Collection method: clinical testing. Allele origin: germline. Affected: yes. Study: VKGL Data-share Consensus. Not counted in ClinVar's aggregate classification.

Clinical Genetics, Academic Medical Center
Classification: Benign. Review status: no assertion criteria provided. Collection method: clinical testing. Allele origin: germline. Affected: yes. Study: VKGL Data-share Consensus. Not counted in ClinVar's aggregate classification.